The following is an entry in ClinVar:

NM_001100913.3(PACS2):c.587A>G (p.Asp196Gly)

Gene: PACS2 (phosphofurin acidic cluster sorting protein 2; plus strand). Cytogenetic location: 14q32.33.
Variant type: single nucleotide variant.
Coding change: c.587A>G on transcript NM_001100913.3 (MANE Select); coding-DNA position 587, A replaced by G.
Protein change: p.Asp196Gly; replaces aspartic acid 196 with glycine.
Molecular consequence: missense variant.
Genome position (GRCh38, 1-based): chr14:105,368,074, A>G. VCF-style: chr14-105368074-A-G. GRCh37 (hg19) VCF-style: chr14-105834411-A-G.
Other names: c.386A>G, p.Asp129Gly (NM_001243127.3); c.587A>G, p.Asp196Gly (NM_015197.4); short protein forms D129G, D196G.
Identifiers: ClinVar variation 1977193 (VCV001977193.5), dbSNP rs782222051, ClinGen allele CA7388449.

ClinVar aggregate classification (germline): Uncertain significance (1 of 4 stars; one submission).

Allele frequency attached by ClinVar (database versions not stated): gnomAD exomes below 0.00001; gnomAD 0.00001; ExAC 0.00002.
gnomAD v4.1: 2 of 1,603,260 alleles (0.00012%); highest among the groups gnomAD compares: African/African-American, 0.0013%; no homozygotes.

Submission:

Labcorp Genetics (formerly Invitae), Labcorp
Classification: Uncertain significance. Last evaluated: 2022-05-29. Review status: criteria provided, single submitter. Criteria: Invitae Variant Classification Sherloc (09022015). Collection method: clinical testing. Allele origin: germline.
Comment: This sequence change replaces aspartic acid, which is acidic and polar, with glycine, which is neutral and non-polar, at codon 196 of the PACS2 protein (p.Asp196Gly). This variant is present in population databases (rs782222051, gnomAD 0.009%). This variant has not been reported in the literature in individuals affected with PACS2-related conditions. Algorithms developed to predict the effect of missense changes on protein structure and function are either unavailable or do not agree on the potential impact of this missense change (SIFT: "Tolerated"; PolyPhen-2: "Possibly Damaging"; Align-GVGD: "Class C0"). In summary, the available evidence is currently insufficient to determine the role of this variant in disease. Therefore, it has been classified as a Variant of Uncertain Significance.